The following is an entry in ClinVar:

NM_007294.4(BRCA1):c.81_134del (p.Cys27_Lys45delinsTer)

Gene: BRCA1 (BRCA1 DNA repair associated; minus strand). Cytogenetic location: 17q21.31.
Variant type: Deletion.
Coding change: c.81_134del on transcript NM_007294.4 (MANE Select); coding-DNA positions 81 to 134, 54 bases deleted.
Protein change: p.Cys27_Lys45delinsTer.
Molecular consequence: nonsense. On other transcripts: inframe indel (24), non-coding transcript variant (1), intron variant (1).
Genome position (GRCh38, 1-based): chr17:43,115,726-43,115,779, 54 bases deleted. GRCh37 (hg19): chr17:41,267,743-41,267,796.
Other names: c.81_134delTCTGGAGTTGATCAAGGAACCTGTCTCCACAAAGTGTGACCACATATTTTGCAA (NM_007294.3); c.-108_-55del54 (NM_001407571.1, NM_001407853.1, NM_001407879.1 and 52 more transcripts); c.81_134del54, p.Cys27_Ile379delinsTer (NM_001407581.1, NM_001407582.1, NM_001407583.1 and 29 more transcripts); c.81_134del54, p.Cys27_Gln379delinsTer (NM_001407587.1, NM_001407590.1, NM_001407591.1 and 27 more transcripts); c.81_134del54, p.Cys27_Val379delinsTer (NM_001407646.1, NM_001407647.1, NM_001407968.1 and 1 more transcripts); c.81_134del54, p.Cys27_Asp379delinsTer (NM_001407648.1, NM_001407664.1, NM_001407665.1 and 25 more transcripts); c.81_134del54, p.Cys27_Glu379delinsTer (NM_001407649.1, NM_001407670.1, NM_001407671.1 and 11 more transcripts); c.81_134del54, p.Cys27_Lys45delinsTrp (NM_001407653.1, NM_001407654.1, NM_001407655.1 and 21 more transcripts); and 14 more.
Identifiers: ClinVar variation 224416 (VCV000224416.2), dbSNP rs1555599208, ClinGen allele CA10575956.

ClinVar aggregate classification (germline): Pathogenic. Review status: reviewed by expert panel (3 of 4 stars). 2 submissions from 2 submitters: Pathogenic (1). 1 of the submissions does not count toward it. Last evaluated 2017-12-15.

Conditions:
Breast neoplasm. Also called: Breast Neoplasms; Neoplasm of the breast; Neoplasm of breast; Breast tumor. Identifiers: MedGen C1458155, MeSH D001943, MONDO:0021100, HP:0100013. Disease mechanism: gain of function.
Breast-ovarian cancer, familial, susceptibility to, 1 (BROVCA1). Also called: BRCA1 Hereditary Breast and Ovarian Cancer; OVARIAN CANCER, SUSCEPTIBILITY TO. Identifiers: Orphanet 145, MedGen C2676676, MONDO:0011450, OMIM 604370. Disease mechanism: loss of function.

Submissions (2):

Evidence-based Network for the Interpretation of Germline Mutant Alleles (ENIGMA)
Classification: Pathogenic for Breast-ovarian cancer, familial, susceptibility to, 1. Last evaluated: 2017-12-15. Review status: reviewed by expert panel. Criteria: ENIGMA BRCA1/2 Classification Criteria (2017-06-29). Collection method: curation. Allele origin: germline. Study: ENIGMA.
Comment: Variant allele predicted to encode a truncated non-functional protein.

Laboratory of Molecular Diagnosis of Cancer, West China Hospital, Sichuan University
Classification: Pathogenic for Breast neoplasm. Last evaluated: 2015-11-01. Review status: criteria provided, single submitter. Criteria: ACMG Guidelines, 2015. Collection method: research. Allele origin: germline. Affected: yes. Observed: 1 variant allele. Not counted in ClinVar's aggregate classification.

Literature cited by the submitters: PubMed 27257965 (cited by Laboratory of Molecular Diagnosis of Cancer, West China Hospital, Sichuan University).